The following is an entry in ClinVar:

ClinVar aggregate classification (germline): Likely benign. Review status: criteria provided, multiple submitters, no conflicts (2 of 4 stars). 2 submissions from 2 submitters: Likely benign (2). Last evaluated 2024-03-06.

Conditions:
Familial cancer of breast. Also called: Hereditary breast cancer; hereditary breast carcinoma; BREAST CANCER, FAMILIAL. Identifiers: Orphanet 227535, MedGen C0346153, MONDO:0016419, OMIM 114480. Disease mechanism: loss of function.

Allele frequency attached by ClinVar (database versions not stated): gnomAD exomes below 0.00001 and 0.00001; ExAC 0.00001.
gnomAD v4.1: 14 of 1,550,978 alleles (0.0009%); highest among the groups gnomAD compares: Non-Finnish European, 0.0011%; no homozygotes.

Submissions (2):

Labcorp Genetics (formerly Invitae), Labcorp
Classification: Likely benign for Familial cancer of breast. Last evaluated: 2024-03-06. Review status: criteria provided, single submitter. Criteria: Invitae Variant Classification Sherloc (09022015). Collection method: clinical testing. Allele origin: germline.

GeneDx
Classification: Likely benign. Last evaluated: 2016-08-01. Review status: criteria provided, single submitter. Criteria: GeneDx Variant Classification (06012015). Collection method: clinical testing. Allele origin: germline. Affected: yes.
Comment: This variant is considered likely benign or benign based on one or more of the following criteria: it is a conservative change, it occurs at a poorly conserved position in the protein, it is predicted to be benign by multiple in silico algorithms, and/or has population frequency not consistent with disease.

NM_007194.4(CHEK2):c.1542+16A>G

Gene: CHEK2 (checkpoint kinase 2; minus strand). Cytogenetic location: 22q12.1.
Variant type: single nucleotide variant.
Coding change: c.1542+16A>G on transcript NM_007194.4 (MANE Select); 16 bases into the intron after coding-DNA position 1542, A replaced by G.
Molecular consequence: intron variant.
Genome position (GRCh38, 1-based): chr22:28,689,119, T>C on the plus strand (A>G on the coding strand, the complement: CHEK2 is on the minus strand). VCF-style: chr22-28689119-T-C. GRCh37 (hg19) VCF-style: chr22-29085107-T-C.
Other names: c.879+16A>G (NM_001437942.1, NM_001257387.3); c.1341+16A>G (NM_001349956.3); c.1455+16A>G (NM_145862.3); c.1548+16A>G (NM_001438295.1); c.1635+16A>G (NM_001438293.1); c.1584+16A>G (NM_001438294.1); c.1671+16A>G (NM_001005735.3).
Identifiers: ClinVar variation 388251 (VCV000388251.7), dbSNP rs749728970, ClinGen allele CA10167620.